The following is an entry in ClinVar:

NM_024747.6(HPS6):c.707C>T (p.Ser236Phe)

Gene: HPS6 (HPS6 biogenesis of lysosomal organelles complex 2 subunit 3; plus strand). Cytogenetic location: 10q24.32.
Variant type: single nucleotide variant.
Coding change: c.707C>T on transcript NM_024747.6 (MANE Select); coding-DNA position 707, C replaced by T.
Protein change: p.Ser236Phe; replaces serine 236 with phenylalanine.
Molecular consequence: missense variant.
Genome position (GRCh38, 1-based): chr10:102,066,181, C>T. VCF-style: chr10-102066181-C-T. GRCh37 (hg19) VCF-style: chr10-103825938-C-T.
Other names: short protein forms S236F.
Identifiers: ClinVar variation 2899604 (VCV002899604.3), dbSNP rs762974886, ClinGen allele CA5659839.

ClinVar aggregate classification (germline): Uncertain significance (1 of 4 stars; one submission).

Allele frequency attached by ClinVar (database versions not stated): gnomAD exomes below 0.00001; ExAC 0.00001; gnomAD 0.00001; TOPMed 0.00001.

Submission:

Labcorp Genetics (formerly Invitae), Labcorp
Classification: Uncertain significance. Last evaluated: 2023-12-21. Review status: criteria provided, single submitter. Criteria: Invitae Variant Classification Sherloc (09022015). Collection method: clinical testing. Allele origin: germline.
Comment: This sequence change replaces serine, which is neutral and polar, with phenylalanine, which is neutral and non-polar, at codon 236 of the HPS6 protein (p.Ser236Phe). This variant is present in population databases (rs762974886, gnomAD 0.007%). This variant has not been reported in the literature in individuals affected with HPS6-related conditions. Advanced modeling of protein sequence and biophysical properties (such as structural, functional, and spatial information, amino acid conservation, physicochemical variation, residue mobility, and thermodynamic stability) performed at Invitae indicates that this missense variant is not expected to disrupt HPS6 protein function with a negative predictive value of 80%. In summary, the available evidence is currently insufficient to determine the role of this variant in disease. Therefore, it has been classified as a Variant of Uncertain Significance.